The following is an entry in ClinVar:

ClinVar aggregate classification (germline): Uncertain significance (1 of 4 stars; one submission).

Allele frequency attached by ClinVar (database versions not stated): TOPMed below 0.00001; gnomAD exomes 0.00001.
gnomAD v4.1: 8 of 1,552,834 alleles (0.00052%); highest among the groups gnomAD compares: Non-Finnish European, 0.0007%; no homozygotes.

Submission:

Labcorp Genetics (formerly Invitae), Labcorp
Classification: Uncertain significance. Last evaluated: 2020-07-15. Review status: criteria provided, single submitter. Criteria: Invitae Variant Classification Sherloc (09022015). Collection method: clinical testing. Allele origin: germline.
Comment: In summary, the available evidence is currently insufficient to determine the role of this variant in disease. Therefore, it has been classified as a Variant of Uncertain Significance. Nucleotide substitutions within the consensus splice site are a relatively common cause of aberrant splicing (PMID: 17576681, 9536098). Algorithms developed to predict the effect of sequence changes on RNA splicing suggest that this variant may disrupt the consensus splice site, but this prediction has not been confirmed by published transcriptional studies. Algorithms developed to predict the effect of missense changes on protein structure and function are either unavailable or do not agree on the potential impact of this missense change (SIFT: "Tolerated"; PolyPhen-2: "Possibly Damaging"; Align-GVGD: "Class C0"). This variant has not been reported in the literature in individuals with PROM1-related conditions. This variant is not present in population databases (ExAC no frequency). This sequence change replaces glutamine with histidine at codon 359 of the PROM1 protein (p.Gln359His). The glutamine residue is weakly conserved and there is a small physicochemical difference between glutamine and histidine. This variant also falls at the last nucleotide of exon 9 of the PROM1 coding sequence, which is part of the consensus splice site for this exon.

Literature cited by the submitters: PubMed 17576681; PubMed 9536098.

NM_006017.3(PROM1):c.1077G>T (p.Gln359His)

Gene: PROM1 (prominin 1; minus strand). Cytogenetic location: 4p15.32.
Variant type: single nucleotide variant.
Coding change: c.1077G>T on transcript NM_006017.3 (MANE Select); coding-DNA position 1077, G replaced by T.
Protein change: p.Gln359His; replaces glutamine 359 with histidine.
Molecular consequence: missense variant.
Genome position (GRCh38, 1-based): chr4:16,016,166, C>A on the plus strand (G>T on the coding strand, the complement: PROM1 is on the minus strand). VCF-style: chr4-16016166-C-A. GRCh37 (hg19) VCF-style: chr4-16017789-C-A.
Other names: c.1050G>T, p.Gln350His (NM_001145847.2, NM_001145848.2, NM_001145851.2 and 4 more transcripts); c.1077G>T, p.Gln359His (NM_001145849.2, NM_001145850.2); short protein forms Q350H, Q359H.
Identifiers: ClinVar variation 1051410 (VCV001051410.9), dbSNP rs1188471895, ClinGen allele CA356416537.